The following is an entry in ClinVar:

ClinVar aggregate classification (germline): Conflicting classifications of pathogenicity. Review status: criteria provided, conflicting classifications (1 of 4 stars). 2 submissions from 2 submitters: Likely pathogenic (1); Uncertain significance (1). Last evaluated 2023-05-01.

Conditions:
SETD5-related disorder. Also called: SETD5-related disorders; SETD5-related condition.

gnomAD v4.1: 1 of 1,610,182 alleles (0.000062%); highest among the groups gnomAD compares: Non-Finnish European, 0.000085%; no homozygotes.

Submissions (2):

CeGaT Center for Human Genetics Tuebingen
Classification: Uncertain significance. Last evaluated: 2023-05-01. Review status: criteria provided, single submitter. Criteria: CeGaT Center For Human Genetics Tuebingen Variant Classification Criteria Version 2. Collection method: clinical testing. Allele origin: germline. Affected: yes. Observed: 1 variant allele.
Comment: SETD5: PM2, PVS1:Moderate

PreventionGenetics, part of Exact Sciences
Classification: Likely pathogenic for SETD5-related condition. Last evaluated: 2022-11-21. Review status: criteria provided, single submitter. Criteria: ACMG Guidelines, 2015. Collection method: clinical testing. Allele origin: germline.
Comment: The SETD5 c.1782+1G>T variant is predicted to disrupt the GT donor site and interfere with normal splicing. This variant was reported in an individual with autism or developmental-disability (Table S11 - Stessman et al. 2017. PubMed ID: 28191889; Table S5 - Wang et al. 2020. PubMed ID: 33004838). This variant has not been reported in a large population database, indicating this variant is rare. Variants that disrupt the consensus splice donor site in SETD5 are expected to be pathogenic. This variant is interpreted as likely pathogenic.

NM_001080517.3(SETD5):c.1782+1G>T

Gene: SETD5 (SET domain containing 5; plus strand). Cytogenetic location: 3p25.3.
Variant type: single nucleotide variant.
Coding change: c.1782+1G>T on transcript NM_001080517.3 (MANE Select); the canonical splice donor site of the intron after coding-DNA position 1782, G replaced by T.
Molecular consequence: splice donor variant.
Genome position (GRCh38, 1-based): chr3:9,447,308, G>T. VCF-style: chr3-9447308-G-T. GRCh37 (hg19) VCF-style: chr3-9488992-G-T.
Other names: c.1488+1G>T (NM_001349451.2, NM_001292043.2).
Identifiers: ClinVar variation 2635280 (VCV002635280.24), dbSNP rs2472944256, ClinGen allele CA351696660.